The following is an entry in ClinVar:

NM_001005242.3(PKP2):c.669_671dup (p.Gly224dup)

Gene: PKP2 (plakophilin 2; minus strand). Cytogenetic location: 12p11.21.
Variant type: Duplication.
Coding change: c.669_671dup on transcript NM_001005242.3 (MANE Select); coding-DNA positions 669 to 671, 3 bases duplicated (TGG; older notation c.669_671dupTGG).
Protein change: p.Gly224dup; duplicates glycine 224.
Molecular consequence: inframe insertion.
Genome position (GRCh38, 1-based): chr12:32,878,209-32,878,211, CCA duplicated on the plus strand (TGG on the coding strand, the reverse complement: PKP2 is on the minus strand). VCF-style (leftmost placement, unchanged base first): chr12-32878208-G-GCCA. GRCh37 (hg19) VCF-style: chr12-33031142-G-GCCA.
Other names: c.669_671dup, p.Gly224dup (NM_004572.4).
Identifiers: ClinVar variation 1213690 (VCV001213690.2), dbSNP rs2137948788, ClinGen allele CA2499221617.

ClinVar aggregate classification (germline): Uncertain significance. Review status: criteria provided, multiple submitters, no conflicts (2 of 4 stars). 2 submissions from 2 submitters: Uncertain significance (2). Last evaluated 2025-05-27.

Conditions:
Cardiomyopathy (CMYO). Also called: Cardiomyopathies. Identifiers: Orphanet 167848, MedGen C0878544, MONDO:0004994, HP:0001638. Inheritance: Various modes of inheritance.
Arrhythmogenic right ventricular dysplasia 9 (ARVD9). Also called: Arrhythmogenic Right Ventricular Dysplasia/Cardiomyopathy 9; ARRHYTHMOGENIC RIGHT VENTRICULAR DYSPLASIA, FAMILIAL, 9. Identifiers: MedGen C1836906, MONDO:0012180, OMIM 609040.

Submissions (2):

Color Diagnostics, LLC DBA Color Health
Classification: Uncertain significance for Cardiomyopathy. Last evaluated: 2025-05-27. Review status: criteria provided, single submitter. Criteria: ACMG Guidelines, 2015. Collection method: clinical testing. Allele origin: germline.
Comment: This variant results in a duplication of single amino acid at codon 224 in the PKP2 protein. To our knowledge, functional studies have not been reported for this variant. This variant has not been reported in individuals affected with PKP2-related disorders in the literature. This variant has not been identified in the general population by the Genome Aggregation Database (gnomAD). The available evidence is insufficient to determine the role of this variant in disease conclusively. Therefore, this variant is classified as a Variant of Uncertain Significance.

New York Genome Center
Classification: Uncertain significance for Arrhythmogenic right ventricular dysplasia 9. Last evaluated: 2020-09-23. Review status: criteria provided, single submitter. Criteria: NYGC Assertion Criteria 2020. Collection method: clinical testing. Allele origin: de novo. Observed: 1 heterozygote. Study: CSER-NYCKidSeq.
Comment: The heterozygous inframe duplication of 3 nucleotides (c.669_671dup, p.Gly224dup) identified in the PKP2 gene has not been reported in affected individuals in the literature. The variant is absent from gnomAD(v3) database indicating it is an extremely rare allele in the populations represented in this database. The 3 nucleotide duplication preserves the wild type reading frame and results in an inframe duplication of Glycine residue at position 224 of the PKP2 protein. In the absence of any functional studies, the c.669_671dup (p.Gly224dup) in the PKP2 gene is assessed as a variant of uncertain significance.